The following is an entry in ClinVar:

NM_000318.3(PEX2):c.282A>T (p.Arg94Ser)

Gene: PEX2 (peroxisomal biogenesis factor 2; minus strand). Cytogenetic location: 8q21.13.
Variant type: single nucleotide variant.
Coding change: c.282A>T on transcript NM_000318.3 (MANE Select); coding-DNA position 282, A replaced by T.
Protein change: p.Arg94Ser; replaces arginine 94 with serine.
Molecular consequence: missense variant.
Genome position (GRCh38, 1-based): chr8:76,983,897, T>A on the plus strand (A>T on the coding strand, the complement: PEX2 is on the minus strand). VCF-style: chr8-76983897-T-A. GRCh37 (hg19) VCF-style: chr8-77896133-T-A.
Other names: p.Arg94Ser; c.282A>T, p.Arg94Ser (NM_001079867.2, NM_001172086.2, NM_001172087.2); short protein forms R94S.
Identifiers: ClinVar variation 596242 (VCV000596242.17), dbSNP rs140963177, ClinGen allele CA4788741.

ClinVar aggregate classification (germline): Conflicting classifications of pathogenicity. Review status: criteria provided, conflicting classifications (1 of 4 stars). 9 submissions from 9 submitters: Uncertain significance (6); Likely benign (1). 2 of the submissions do not count toward it. Last evaluated 2024-12-09.

Conditions:
Zellweger spectrum disorders (ZS). Also called: Zellweger Spectrum Disorder; Zellweger Spectrum; Zellweger Spectrum Disorder (ZSD); Zellweger syndrome. Identifiers: Orphanet 912, MedGen C0043459, MONDO:0019609.
Inborn genetic diseases. Identifiers: MedGen C0950123, MeSH D030342.
Peroxisome biogenesis disorder 5A (Zellweger) (PBD5A). Identifiers: Orphanet 912, MedGen C3553940, MONDO:0013932, OMIM 614866.
Peroxisome biogenesis disorder 5B (PBD5B). Identifiers: Orphanet 44, MedGen C3542026, MONDO:0013933, OMIM 614867.
PEX2-related disorder. Also called: PEX2-related condition.

Allele frequency attached by ClinVar (database versions not stated): ExAC 0.00040; gnomAD exomes 0.00045; ESP Exome Variant Server 0.00046; gnomAD 0.00046 and 0.00041; TOPMed 0.00043.
gnomAD v4.1: 1,279 of 1,614,038 alleles (0.079%); highest among the groups gnomAD compares: Non-Finnish European, 0.1%; 2 homozygotes.

Submissions (9):

Mayo Clinic Laboratories, Mayo Clinic
Classification: Uncertain significance. Last evaluated: 2024-12-09. Review status: criteria provided, single submitter. Criteria: ACMG Guidelines, 2015. Collection method: clinical testing. Allele origin: germline. Observed: 1 variant allele.

Blueprint Genetics
Classification: Likely benign. Last evaluated: 2024-11-25. Review status: criteria provided, single submitter. Criteria: ACMG Guidelines, 2015. Collection method: clinical testing. Allele origin: germline.

Labcorp Genetics (formerly Invitae), Labcorp
Classification: Uncertain significance for Peroxisome biogenesis disorder 5A (Zellweger). Last evaluated: 2022-10-24. Review status: criteria provided, single submitter. Criteria: Invitae Variant Classification Sherloc (09022015). Collection method: clinical testing. Allele origin: germline.
Comment: This sequence change replaces arginine, which is basic and polar, with serine, which is neutral and polar, at codon 94 of the PEX2 protein (p.Arg94Ser). This variant is present in population databases (rs140963177, gnomAD 0.08%), and has an allele count higher than expected for a pathogenic variant. This variant has not been reported in the literature in individuals affected with PEX2-related conditions. ClinVar contains an entry for this variant (Variation ID: 596242). Advanced modeling of protein sequence and biophysical properties (such as structural, functional, and spatial information, amino acid conservation, physicochemical variation, residue mobility, and thermodynamic stability) performed at Invitae indicates that this missense variant is not expected to disrupt PEX2 protein function. In summary, the available evidence is currently insufficient to determine the role of this variant in disease. Therefore, it has been classified as a Variant of Uncertain Significance.

Ambry Genetics
Classification: Uncertain significance for Inborn genetic diseases. Last evaluated: 2022-05-02. Review status: criteria provided, single submitter. Criteria: Ambry Variant Classification Scheme 2023. Collection method: clinical testing. Allele origin: germline.
Comment: The c.282A>T (p.R94S) alteration is located in exon 4 (coding exon 1) of the PEX2 gene. This alteration results from a A to T substitution at nucleotide position 282, causing the arginine (R) at amino acid position 94 to be replaced by a serine (S). The p.R94S alteration is predicted to be tolerated by in silico analysis. Based on insufficient or conflicting evidence, the clinical significance of this alteration remains unclear.

Elsea Laboratory, Baylor College of Medicine
Classification: Uncertain significance for Peroxisome biogenesis disorder 5A (Zellweger); Peroxisome biogenesis disorder 5B. Last evaluated: 2020-04-01. Review status: criteria provided, single submitter. Criteria: ACMG Guidelines, 2015. Collection method: clinical testing. Allele origin: germline. Affected: no.

Eurofins Ntd Llc (ga)
Classification: Uncertain significance. Last evaluated: 2018-02-22. Review status: criteria provided, single submitter. Criteria: EGL ClinVar v180209 classification definitions. Collection method: clinical testing. Allele origin: germline. Observed: 2 variant alleles, 2 heterozygotes.

Illumina Laboratory Services, Illumina
Classification: Uncertain significance for Peroxisome biogenesis disorder 5A (Zellweger). Last evaluated: 2018-01-13. Review status: criteria provided, single submitter. Criteria: ICSL Variant Classification Criteria 13 December 2019. Collection method: clinical testing. Allele origin: germline.

PreventionGenetics, part of Exact Sciences
Classification: Likely benign for PEX2-related condition. Last evaluated: 2024-02-13. Review status: no assertion criteria provided. Collection method: clinical testing. Allele origin: germline. Not counted in ClinVar's aggregate classification.
Comment: This variant is classified as likely benign based on ACMG/AMP sequence variant interpretation guidelines (Richards et al. 2015 PMID: 25741868, with internal and published modifications).

Natera, Inc.
Classification: Uncertain significance for Zellweger syndrome. Last evaluated: 2019-10-28. Review status: no assertion criteria provided. Collection method: clinical testing. Allele origin: germline. Not counted in ClinVar's aggregate classification.